The following is an entry in ClinVar:

ClinVar aggregate classification (germline): Likely benign (1 of 4 stars; one submission).

gnomAD v4.1: 35 of 1,614,128 alleles (0.0022%); highest among the groups gnomAD compares: Non-Finnish European, 0.0026%; no homozygotes.

Submission:

CeGaT Center for Human Genetics Tuebingen
Classification: Likely benign. Last evaluated: 2026-01-01. Review status: criteria provided, single submitter. Criteria: CeGaT Center For Human Genetics Tuebingen Variant Classification Criteria Version 2. Collection method: clinical testing. Allele origin: germline. Affected: yes. Observed: 1 variant allele.
Comment: ZBTB11: BP4, BP7

NM_014415.4(ZBTB11):c.2022A>G (p.Thr674=)

Gene: ZBTB11 (zinc finger and BTB domain containing 11; minus strand). Cytogenetic location: 3q12.3.
Variant type: single nucleotide variant.
Coding change: c.2022A>G on transcript NM_014415.4 (MANE Select); coding-DNA position 2022, A replaced by G.
Protein change: p.Thr674=; no amino-acid change (threonine 674 retained).
Molecular consequence: synonymous variant.
Genome position (GRCh38, 1-based): chr3:101,659,807, T>C on the plus strand (A>G on the coding strand, the complement: ZBTB11 is on the minus strand). VCF-style: chr3-101659807-T-C. GRCh37 (hg19) VCF-style: chr3-101378651-T-C.
Identifiers: ClinVar variation 4821990 (VCV004821990.4).